The following is an entry in ClinVar:

ClinVar aggregate classification (germline): Uncertain significance (1 of 4 stars; one submission).

Allele frequency attached by ClinVar (database versions not stated): gnomAD 0.00001; gnomAD exomes 0.00001; ExAC 0.00002; TOPMed 0.00002; ESP Exome Variant Server 0.00008.
gnomAD v4.1: 10 of 1,610,934 alleles (0.00062%); highest among the groups gnomAD compares: East Asian, 0.0045%; no homozygotes.

Submission:

Labcorp Genetics (formerly Invitae), Labcorp
Classification: Uncertain significance. Last evaluated: 2023-04-27. Review status: criteria provided, single submitter. Criteria: Invitae Variant Classification Sherloc (09022015). Collection method: clinical testing. Allele origin: germline.
Comment: Algorithms developed to predict the effect of sequence changes on RNA splicing suggest that this variant may disrupt the consensus splice site. Advanced modeling of protein sequence and biophysical properties (such as structural, functional, and spatial information, amino acid conservation, physicochemical variation, residue mobility, and thermodynamic stability) performed at Invitae indicates that this missense variant is expected to disrupt PTDSS1 protein function. This variant has not been reported in the literature in individuals affected with PTDSS1-related conditions. This variant is present in population databases (rs375073869, gnomAD 0.01%). This sequence change replaces asparagine, which is neutral and polar, with serine, which is neutral and polar, at codon 209 of the PTDSS1 protein (p.Asn209Ser). In summary, the available evidence is currently insufficient to determine the role of this variant in disease. Therefore, it has been classified as a Variant of Uncertain Significance.

NM_014754.3(PTDSS1):c.626A>G (p.Asn209Ser)

Gene: PTDSS1 (phosphatidylserine synthase 1; plus strand). Cytogenetic location: 8q22.1.
Variant type: single nucleotide variant.
Coding change: c.626A>G on transcript NM_014754.3 (MANE Select); coding-DNA position 626, A replaced by G.
Protein change: p.Asn209Ser; replaces asparagine 209 with serine.
Molecular consequence: missense variant.
Genome position (GRCh38, 1-based): chr8:96,299,719, A>G. VCF-style: chr8-96299719-A-G. GRCh37 (hg19) VCF-style: chr8-97311947-A-G.
Other names: c.188A>G, p.Asn63Ser (NM_001290225.2); short protein forms N209S, N63S.
Identifiers: ClinVar variation 2967467 (VCV002967467.3), dbSNP rs375073869, ClinGen allele CA4816630.